The following is an entry in ClinVar:

ClinVar aggregate classification (germline): Uncertain significance (1 of 4 stars; one submission).

Allele frequency attached by ClinVar (database versions not stated): gnomAD exomes 0.00001; TOPMed below 0.00001; gnomAD 0.00001.
gnomAD v4.1: 45 of 1,486,822 alleles (0.003%); highest among the groups gnomAD compares: Non-Finnish European, 0.0038%; no homozygotes.

Submission:

GeneDx
Classification: Uncertain significance. Last evaluated: 2020-11-25. Review status: criteria provided, single submitter. Criteria: GeneDx Variant Classification Process June 2021. Collection method: clinical testing. Allele origin: germline. Affected: yes.
Comment: Not observed at a significant frequency in large population cohorts (Lek et al., 2016); In silico analysis, which includes protein predictors and evolutionary conservation, supports a deleterious effect; Has not been previously published as pathogenic or benign to our knowledge; In-silico analysis, which includes splice predictors and evolutionary conservation, is inconclusive as to whether the variant alters gene splicing. In the absence of RNA/functional studies, the actual effect of this sequence change is unknown.

NM_001378609.3(OTOGL):c.2930G>T (p.Ser977Ile)

Gene: OTOGL (otogelin like; plus strand). Cytogenetic location: 12q21.31.
Variant type: single nucleotide variant.
Coding change: c.2930G>T on transcript NM_001378609.3 (MANE Select); coding-DNA position 2930, G replaced by T.
Protein change: p.Ser977Ile; replaces serine 977 with isoleucine.
Molecular consequence: missense variant. On other transcripts: intron variant (1).
Genome position (GRCh38, 1-based): chr12:80,296,828, G>T. VCF-style: chr12-80296828-G-T. GRCh37 (hg19) VCF-style: chr12-80690608-G-T.
Other names: c.2930G>T, p.Ser977Ile (NM_001378610.3, NM_173591.7); c.2929-5806G>T (NM_001368062.3); short protein forms S977I.
Identifiers: ClinVar variation 1314645 (VCV001314645.2), dbSNP rs1195961302, ClinGen allele CA385858444.